The following is an entry in ClinVar:

ClinVar aggregate classification (germline): Likely benign. Review status: criteria provided, multiple submitters, no conflicts (2 of 4 stars). 3 submissions from 3 submitters: Likely benign (2). 1 of the submissions does not count toward it. Last evaluated 2025-11-06.

Conditions:
CSF2RB-related disorder. Also called: CSF2RB-related condition.

Allele frequency attached by ClinVar (database versions not stated): TOPMed 0.00006; gnomAD exomes 0.00007 and 0.00004; gnomAD 0.00008 and 0.00009; ExAC 0.00014.
gnomAD v4.1: 74 of 1,560,188 alleles (0.0047%); highest among the groups gnomAD compares: Middle Eastern, 0.13%; no homozygotes.

Submissions (3):

Labcorp Genetics (formerly Invitae), Labcorp
Classification: Likely benign. Last evaluated: 2025-11-06. Review status: criteria provided, single submitter. Criteria: Invitae Variant Classification Sherloc (09022015). Collection method: clinical testing. Allele origin: germline.

Breakthrough Genomics
Classification: Likely benign. Review status: criteria provided, single submitter. Criteria: ACMG Guidelines, 2015. Collection method: not provided. Allele origin: germline. Inheritance: Autosomal recessive inheritance. Affected: yes.

PreventionGenetics, part of Exact Sciences
Classification: Likely benign for CSF2RB-related condition. Last evaluated: 2020-02-06. Review status: no assertion criteria provided. Collection method: clinical testing. Allele origin: germline. Not counted in ClinVar's aggregate classification.
Comment: This variant is classified as likely benign based on ACMG/AMP sequence variant interpretation guidelines (Richards et al. 2015 PMID: 25741868, with internal and published modifications).

NM_000395.3(CSF2RB):c.1827G>A (p.Pro609=)

Gene: CSF2RB (colony stimulating factor 2 receptor subunit beta; plus strand). Cytogenetic location: 22q12.3.
Variant type: single nucleotide variant.
Coding change: c.1827G>A on transcript NM_000395.3 (MANE Select); coding-DNA position 1827, G replaced by A.
Protein change: p.Pro609=; no amino-acid change (proline 609 retained).
Molecular consequence: synonymous variant.
Genome position (GRCh38, 1-based): chr22:36,937,635, G>A. VCF-style: chr22-36937635-G-A. GRCh37 (hg19) VCF-style: chr22-37333677-G-A.
Other names: c.1827G>A (NM_000395.2).
Identifiers: ClinVar variation 1634108 (VCV001634108.11), dbSNP rs777958254, ClinGen allele CA10213986.
Genomic context (GRCh38, chr22:36,937,635, plus strand): 5'-CAATGGGCCCTACCTGGGGCCGCCCCACAGCCGCTCCCTACCTGACATCCTGGGCCAGCC[G>A]GAGCCCCCACAGGAGGGTGGGAGCCAGAAGTCCCCACCTCCAGGGTCCCTGGAGTACCTG-3'
Protein context (NP_000386.1, residues 599-619): SRSLPDILGQ[Pro609=]EPPQEGGSQK